The following is an entry in ClinVar:

NM_002047.4(GARS1):c.658+3G>T

Gene: GARS1 (glycyl-tRNA synthetase 1; plus strand). Cytogenetic location: 7p14.3.
Variant type: single nucleotide variant.
Coding change: c.658+3G>T on transcript NM_002047.4 (MANE Select); 3 bases into the intron after coding-DNA position 658, G replaced by T.
Molecular consequence: intron variant.
Genome position (GRCh38, 1-based): chr7:30,603,125, G>T. VCF-style: chr7-30603125-G-T. GRCh37 (hg19) VCF-style: chr7-30642741-G-T.
Other names: c.496+3G>T (NM_001316772.1).
Identifiers: ClinVar variation 3647162 (VCV003647162.2).

ClinVar aggregate classification (germline): Uncertain significance (1 of 4 stars; one submission).

Conditions:
Charcot-Marie-Tooth disease type 2. Also called: Charcot-Marie-Tooth type 2. Identifiers: Orphanet 64746, MedGen C0270914, MONDO:0018993.

Submission:

Labcorp Genetics (formerly Invitae), Labcorp
Classification: Uncertain significance for Charcot-Marie-Tooth disease type 2. Last evaluated: 2024-03-21. Review status: criteria provided, single submitter. Criteria: Invitae Variant Classification Sherloc (09022015). Collection method: clinical testing. Allele origin: germline.
Comment: This sequence change falls in intron 5 of the GARS gene. It does not directly change the encoded amino acid sequence of the GARS protein. It affects a nucleotide within the consensus splice site. This variant is not present in population databases (gnomAD no frequency). This variant has not been reported in the literature in individuals affected with GARS-related conditions. Variants that disrupt the consensus splice site are a relatively common cause of aberrant splicing (PMID: 17576681, 9536098). Algorithms developed to predict the effect of sequence changes on RNA splicing suggest that this variant may disrupt the consensus splice site. In summary, the available evidence is currently insufficient to determine the role of this variant in disease. Therefore, it has been classified as a Variant of Uncertain Significance.

Literature cited by the submitters: PubMed 17576681; PubMed 9536098.